The following is an entry in ClinVar:

ClinVar aggregate classification (germline): Uncertain significance. Review status: criteria provided, multiple submitters, no conflicts (2 of 4 stars). 2 submissions from 2 submitters: Uncertain significance (2). Last evaluated 2024-12-22.

Conditions:
Inborn genetic diseases. Identifiers: MedGen C0950123, MeSH D030342.

Allele frequency attached by ClinVar (database versions not stated): gnomAD 0.00019; TOPMed 0.00032; ExAC 0.00040; gnomAD exomes 0.00059; ESP Exome Variant Server 0.00077.
gnomAD v4.1: 864 of 1,605,724 alleles (0.054%); highest among the groups gnomAD compares: Non-Finnish European, 0.07%; no homozygotes.

Submissions (2):

Ambry Genetics
Classification: Uncertain significance for Inborn genetic diseases. Last evaluated: 2024-12-22. Review status: criteria provided, single submitter. Criteria: Ambry Variant Classification Scheme 2023. Collection method: clinical testing. Allele origin: germline.

Labcorp Genetics (formerly Invitae), Labcorp
Classification: Uncertain significance. Last evaluated: 2024-10-15. Review status: criteria provided, single submitter. Criteria: Invitae Variant Classification Sherloc (09022015). Collection method: clinical testing. Allele origin: germline.
Comment: This sequence change replaces arginine, which is basic and polar, with histidine, which is basic and polar, at codon 753 of the ASPH protein (p.Arg753His). This variant is present in population databases (rs141861375, gnomAD 0.06%). This variant has not been reported in the literature in individuals affected with ASPH-related conditions. ClinVar contains an entry for this variant (Variation ID: 2358987). An algorithm developed to predict the effect of missense changes on protein structure and function outputs the following: PolyPhen-2: "Benign". The histidine amino acid residue is found in multiple mammalian species, which suggests that this missense change does not adversely affect protein function. In summary, the available evidence is currently insufficient to determine the role of this variant in disease. Therefore, it has been classified as a Variant of Uncertain Significance.

NM_004318.4(ASPH):c.2258G>A (p.Arg753His)

Gene: ASPH (aspartate beta-hydroxylase; minus strand). Cytogenetic location: 8q12.3.
Variant type: single nucleotide variant.
Coding change: c.2258G>A on transcript NM_004318.4 (MANE Select); coding-DNA position 2258, G replaced by A.
Protein change: p.Arg753His; replaces arginine 753 with histidine.
Molecular consequence: missense variant.
Genome position (GRCh38, 1-based): chr8:61,503,378, C>T on the plus strand (G>A on the coding strand, the complement: ASPH is on the minus strand). VCF-style: chr8-61503378-C-T. GRCh37 (hg19) VCF-style: chr8-62415937-C-T.
Other names: c.2171G>A, p.Arg724His (NM_001164750.2, NM_001413865.1, NM_001413866.1 and 1 more transcripts); c.2339G>A, p.Arg780His (NM_001413844.1); c.2303G>A, p.Arg768His (NM_001413845.1); c.2300G>A, p.Arg767His (NM_001413846.1); c.2282G>A, p.Arg761His (NM_001413847.1); c.2261G>A, p.Arg754His (NM_001413848.1); c.2258G>A, p.Arg753His (NM_001413849.1); c.2255G>A, p.Arg752His (NM_001413850.1, NM_001413851.1); and 36 more; short protein forms R591H, R594H, R676H, R685H, R690H, R696H, R737H, R749H.
Identifiers: ClinVar variation 2358987 (VCV002358987.6), dbSNP rs141861375, ClinGen allele CA4761469.